The following is an entry in ClinVar:

ClinVar aggregate classification (germline): Uncertain significance (1 of 4 stars; one submission).

Conditions:
Combined immunodeficiency due to DOCK8 deficiency (HIES2). Also called: HYPER-IgE SYNDROME 2, AUTOSOMAL RECESSIVE, WITH RECURRENT INFECTIONS; HYPER-IgE RECURRENT INFECTION SYNDROME 2, AUTOSOMAL RECESSIVE; HIES autosomal recessive; DOCK8 Deficiency; Hyper-IgE recurrent infection syndrome, autosomal recessive. Identifiers: Orphanet 217390, MedGen C4722305, MONDO:0009478, OMIM 243700.

Allele frequency attached by ClinVar (database versions not stated): gnomAD exomes below 0.00001.
gnomAD v4.1: 1 of 1,614,196 alleles (0.000062%); highest among the groups gnomAD compares: East Asian, 0.0022%; no homozygotes.

Submission:

Labcorp Genetics (formerly Invitae), Labcorp
Classification: Uncertain significance for Combined immunodeficiency due to DOCK8 deficiency. Last evaluated: 2020-02-20. Review status: criteria provided, single submitter. Criteria: Invitae Variant Classification Sherloc (09022015). Collection method: clinical testing. Allele origin: germline.
Comment: This variant is not present in population databases (ExAC no frequency). In summary, the available evidence is currently insufficient to determine the role of this variant in disease. Therefore, it has been classified as a Variant of Uncertain Significance. Algorithms developed to predict the effect of missense changes on protein structure and function are either unavailable or do not agree on the potential impact of this missense change (SIFT: "Tolerated"; PolyPhen-2: "Probably Damaging"; Align-GVGD: "Class C15"). This variant has not been reported in the literature in individuals with DOCK8-related conditions. This sequence change replaces tyrosine with cysteine at codon 982 of the DOCK8 protein (p.Tyr982Cys). The tyrosine residue is highly conserved and there is a large physicochemical difference between tyrosine and cysteine.

NM_203447.4(DOCK8):c.2945A>G (p.Tyr982Cys)

Gene: DOCK8 (dedicator of cytokinesis 8; plus strand). Cytogenetic location: 9p24.3.
Variant type: single nucleotide variant.
Coding change: c.2945A>G on transcript NM_203447.4 (MANE Select); coding-DNA position 2945, A replaced by G.
Protein change: p.Tyr982Cys; replaces tyrosine 982 with cysteine.
Molecular consequence: missense variant.
Genome position (GRCh38, 1-based): chr9:390,541, A>G. VCF-style: chr9-390541-A-G. GRCh37 (hg19) VCF-style: chr9-390541-A-G.
Other names: c.2645A>G, p.Tyr882Cys (NM_001190458.2); c.2741A>G, p.Tyr914Cys (NM_001193536.2); short protein forms Y882C, Y914C, Y982C.
Identifiers: ClinVar variation 1022667 (VCV001022667.13), dbSNP rs2054146249, ClinGen allele CA372751186.